The following is an entry in ClinVar:

NM_194302.4(CFAP65):c.1894C>G (p.Pro632Ala)

Gene: CFAP65 (cilia and flagella associated protein 65; minus strand). Cytogenetic location: 2q35.
Variant type: single nucleotide variant.
Coding change: c.1894C>G on transcript NM_194302.4 (MANE Select); coding-DNA position 1894, C replaced by G.
Protein change: p.Pro632Ala; replaces proline 632 with alanine.
Molecular consequence: missense variant.
Genome position (GRCh38, 1-based): chr2:219,027,967, G>C on the plus strand (C>G on the coding strand, the complement: CFAP65 is on the minus strand). VCF-style: chr2-219027967-G-C. GRCh37 (hg19) VCF-style: chr2-219892689-G-C.
Other names: c.1861C>G, p.Pro621Ala (NM_001278295.1); c.1699C>G, p.Pro567Ala (NM_001278296.2); short protein forms P567A, P632A, P621A.
Identifiers: ClinVar variation 4981460 (VCV004981460.1).

ClinVar aggregate classification (germline): Likely benign (1 of 4 stars; one submission).

Conditions:
CFAP65-related disorder. Also called: CFAP65-related condition.

gnomAD v4.1: 833 of 1,520,404 alleles (0.055%); highest among the groups gnomAD compares: African/African-American, 0.32%; 3 homozygotes.

Submission:

PreventionGenetics, part of Exact Sciences
Classification: Likely benign for CFAP65-related condition. Last evaluated: 2026-08-25. Review status: criteria provided, single submitter. Criteria: ACMG Guidelines, 2015. Collection method: clinical testing. Allele origin: germline.
Comment: This variant is classified as likely benign based on ACMG/AMP sequence variant interpretation guidelines (Richards et al. 2015 PMID: 25741868, with internal and published modifications).